The following is an entry in ClinVar:

ClinVar aggregate classification (germline): Uncertain significance (1 of 4 stars; one submission).

Conditions:
Hereditary cancer-predisposing syndrome. Also called: Tumor predisposition; Hereditary Cancer Syndrome; Hereditary neoplastic syndrome; Neoplastic Syndromes, Hereditary. Identifiers: Orphanet 140162, MedGen C0027672, MeSH D009386, MONDO:0015356.

Submission:

Ambry Genetics
Classification: Uncertain significance for Hereditary cancer-predisposing syndrome. Last evaluated: 2023-09-01. Review status: criteria provided, single submitter. Criteria: Ambry Variant Classification Scheme 2023. Collection method: clinical testing. Allele origin: germline.
Comment: The p.E877V variant (also known as c.2630A>T), located in coding exon 10 of the MET gene, results from an A to T substitution at nucleotide position 2630. The glutamic acid at codon 877 is replaced by valine, an amino acid with dissimilar properties. This amino acid position is conserved. In addition, this alteration is predicted to be deleterious by in silico analysis. Since supporting evidence is limited at this time, the clinical significance of this alteration remains unclear.

NM_000245.4(MET):c.2576A>T (p.Glu859Val)

Gene: MET (MET proto-oncogene, receptor tyrosine kinase; plus strand). Cytogenetic location: 7q31.2.
Variant type: single nucleotide variant.
Coding change: c.2576A>T on transcript NM_000245.4 (MANE Select); coding-DNA position 2576, A replaced by T.
Protein change: p.Glu859Val; replaces glutamic acid 859 with valine.
Molecular consequence: missense variant.
Genome position (GRCh38, 1-based): chr7:116,763,261, A>T. VCF-style: chr7-116763261-A-T. GRCh37 (hg19) VCF-style: chr7-116403315-A-T.
Other names: c.2630A>T, p.Glu877Val (NM_001127500.3); c.2576A>T, p.Glu859Val (NM_001324401.3); c.1286A>T, p.Glu429Val (NM_001324402.2); short protein forms E877V, E429V, E859V.
Identifiers: ClinVar variation 2624918 (VCV002624918.2), dbSNP rs1031650077, ClinGen allele CA164897960.